The following is an entry in ClinVar:

NM_024306.5(FA2H):c.271-8C>A

Gene: FA2H (fatty acid 2-hydroxylase; minus strand). Cytogenetic location: 16q23.1.
Variant type: single nucleotide variant.
Coding change: c.271-8C>A on transcript NM_024306.5 (MANE Select); 8 bases into the intron before coding-DNA position 271, C replaced by A.
Molecular consequence: intron variant.
Genome position (GRCh38, 1-based): chr16:74,740,123, G>T on the plus strand (C>A on the coding strand, the complement: FA2H is on the minus strand). VCF-style: chr16-74740123-G-T. GRCh37 (hg19) VCF-style: chr16-74774021-G-T.
Identifiers: ClinVar variation 696416 (VCV000696416.48), dbSNP rs199610820, ClinGen allele CA8170589.

ClinVar aggregate classification (germline): Conflicting classifications of pathogenicity. Review status: criteria provided, conflicting classifications (1 of 4 stars). 4 submissions from 4 submitters: Uncertain significance (1); Benign (1); Likely benign (2). Last evaluated 2026-01-13.

Conditions:
Hereditary spastic paraplegia 35. Also called: LEUKODYSTROPHY, DYSMYELINATING, AND SPASTIC PARAPARESIS WITH OR WITHOUT DYSTONIA; Spastic paraplegia 35, autosomal recessive; SPASTIC PARAPLEGIA 35, AUTOSOMAL RECESSIVE, WITH OR WITHOUT NEURODEGENERATION; Spastic paraplegia 35. Identifiers: Orphanet 171629, MedGen C3496228, MONDO:0012866, OMIM 612319.
Spastic paraplegia. Identifiers: MedGen C0037772, HP:0001258.

Allele frequency attached by ClinVar (database versions not stated): TOPMed 0.00020; gnomAD 0.00021 and 0.00023; gnomAD exomes 0.00025 and 0.00049; ESP Exome Variant Server 0.00031; ExAC 0.00035.
gnomAD v4.1: 414 of 1,607,326 alleles (0.026%); highest among the groups gnomAD compares: South Asian, 0.11%; 4 homozygotes.

Submissions (4):

Labcorp Genetics (formerly Invitae), Labcorp
Classification: Likely benign for Spastic paraplegia. Last evaluated: 2026-01-13. Review status: criteria provided, single submitter. Criteria: Invitae Variant Classification Sherloc (09022015). Collection method: clinical testing. Allele origin: germline.

CeGaT Center for Human Genetics Tuebingen
Classification: Likely benign. Last evaluated: 2025-12-01. Review status: criteria provided, single submitter. Criteria: CeGaT Center For Human Genetics Tuebingen Variant Classification Criteria Version 2. Collection method: clinical testing. Allele origin: germline. Affected: yes. Observed: 2 variant alleles.
Comment: FA2H: BP4, BS2

Athena Diagnostics
Classification: Benign. Last evaluated: 2019-03-05. Review status: criteria provided, single submitter. Criteria: Athena Diagnostics Criteria. Collection method: clinical testing. Allele origin: germline.

Illumina Laboratory Services, Illumina
Classification: Uncertain significance for Hereditary spastic paraplegia 35. Last evaluated: 2018-01-13. Review status: criteria provided, single submitter. Criteria: ICSL Variant Classification Criteria 13 December 2019. Collection method: clinical testing. Allele origin: germline.